The following is an entry in ClinVar:

NM_000051.4(ATM):c.72+1del

Gene: ATM (ATM serine/threonine kinase; plus strand). Cytogenetic location: 11q22.3.
Variant type: Deletion.
Coding change: c.72+1del on transcript NM_000051.4 (MANE Select); the canonical splice donor site of the intron after coding-DNA position 72, one base deleted (G; older notation c.72+1delG).
Molecular consequence: splice donor variant.
Genome position (GRCh38, 1-based): chr11:108,227,697, G deleted; the last of 2 consecutive G bases (chr11:108,227,696-108,227,697); deleting either gives the same sequence. VCF-style (leftmost placement, unchanged base first): chr11-108227695-AG-A. GRCh37 (hg19) VCF-style: chr11-108098422-AG-A.
Other names: c.72+1del (NM_001351834.2, NM_001351835.2, NM_001351836.2).
Identifiers: ClinVar variation 1757665 (VCV001757665.7), dbSNP rs2496890590, ClinGen allele CA2580082996.

ClinVar aggregate classification (germline): Pathogenic/Likely pathogenic. Review status: criteria provided, multiple submitters, no conflicts (2 of 4 stars). 2 submissions from 2 submitters: Pathogenic (1); Likely pathogenic (1). Last evaluated 2024-03-05.

Conditions:
Ataxia-telangiectasia syndrome (AT). Also called: Ataxia telangiectasia (A-T); LOUIS-BAR SYNDROME; Cerebello-oculocutaneous telangiectasia; Immunodeficiency with ataxia telangiectasia; Ataxia-telangiectasia, complementation group D; AT, COMPLEMENTATION GROUP C. Identifiers: Orphanet 100, MedGen C0004135, MONDO:0008840, OMIM 208900.
Hereditary cancer-predisposing syndrome. Also called: Neoplastic Syndromes, Hereditary; Tumor predisposition; Hereditary neoplastic syndrome; Hereditary Cancer Syndrome. Identifiers: Orphanet 140162, MedGen C0027672, MeSH D009386, MONDO:0015356.

Submissions (2):

Labcorp Genetics (formerly Invitae), Labcorp
Classification: Pathogenic for Ataxia-telangiectasia syndrome. Last evaluated: 2024-03-05. Review status: criteria provided, single submitter. Criteria: Invitae Variant Classification Sherloc (09022015). Collection method: clinical testing. Allele origin: germline.
Comment: This sequence change creates a premature translational stop signal (p.Glu26Lysfs*8) in the ATM gene. It is expected to result in an absent or disrupted protein product. Loss-of-function variants in ATM are known to be pathogenic (PMID: 23807571, 25614872). This variant is not present in population databases (gnomAD no frequency). This variant has not been reported in the literature in individuals affected with ATM-related conditions. This variant is also known as c.72+1del . ClinVar contains an entry for this variant (Variation ID: 1757665). Algorithms developed to predict the effect of sequence changes on RNA splicing suggest that this variant may disrupt the consensus splice site. For these reasons, this variant has been classified as Pathogenic.

Ambry Genetics
Classification: Likely pathogenic for Hereditary cancer-predisposing syndrome. Last evaluated: 2016-12-06. Review status: criteria provided, single submitter. Criteria: Ambry Variant Classification Scheme 2023. Collection method: clinical testing. Allele origin: germline.
Comment: The c.72+1delG intronic variant, located in intron 1 of the ATM gene, results from a deletion of a G nucleotide one nucleotide after coding exon one of the ATM gene. The deleted nucleotide position is highly conserved in available vertebrate species. Using two different splice site prediction tools, this alteration is predicted by BDGP to abolish the native splice donor site, but is predicted to weaken (but not abolish) the efficiency of the native splice donor site by ESEfinder; however, direct evidence is unavailable. Alterations that disrupt the canonical splice site are expected to cause aberrant splicing, resulting in an abnormal protein or a transcript that is subject to nonsense-mediated mRNA decay. As such, this alteration is classified as likely pathogenic.

Literature cited by the submitters: PubMed 23807571 (cited by Labcorp Genetics (formerly Invitae), Labcorp); PubMed 25614872 (cited by Labcorp Genetics (formerly Invitae), Labcorp).